The following is an entry in ClinVar:

NM_177438.3(DICER1):c.1808C>T (p.Pro603Leu)

Gene: DICER1 (dicer 1, ribonuclease III; minus strand). Cytogenetic location: 14q32.13.
Variant type: single nucleotide variant.
Coding change: c.1808C>T on transcript NM_177438.3 (MANE Select); coding-DNA position 1808, C replaced by T.
Protein change: p.Pro603Leu; replaces proline 603 with leucine.
Molecular consequence: missense variant. On other transcripts: non-coding transcript variant (6).
Genome position (GRCh38, 1-based): chr14:95,115,766, G>A on the plus strand (C>T on the coding strand, the complement: DICER1 is on the minus strand). VCF-style: chr14-95115766-G-A. GRCh37 (hg19) VCF-style: chr14-95582103-G-A.
Other names: c.1808C>T, p.Pro603Leu (NM_001195573.1, NM_001271282.3, NM_001291628.2 and 12 more transcripts); c.1526C>T, p.Pro509Leu (NM_001395686.1); c.1403C>T, p.Pro468Leu (NM_001395687.1, NM_001395688.1, NM_001395689.1 and 3 more transcripts); c.1241C>T, p.Pro414Leu (NM_001395691.1); c.125C>T, p.Pro42Leu (NM_001395697.1); short protein forms P414L, P42L, P509L, P468L, P603L.
Identifiers: ClinVar variation 3720196 (VCV003720196.3).

ClinVar aggregate classification (germline): Uncertain significance. Review status: criteria provided, multiple submitters, no conflicts (2 of 4 stars). 2 submissions from 2 submitters: Uncertain significance (2). Last evaluated 2026-07-17.

Conditions:
Hereditary cancer-predisposing syndrome. Also called: Tumor predisposition; Hereditary neoplastic syndrome; Hereditary Cancer Syndrome; Neoplastic Syndromes, Hereditary. Identifiers: Orphanet 140162, MedGen C0027672, MeSH D009386, MONDO:0015356.
DICER1-related tumor predisposition. Also called: DICER1-related pleuropulmonary blastoma cancer predisposition syndrome; DICER1 syndrome. Identifiers: Orphanet 284343, MedGen C3839822, MONDO:0100216.

Submissions (2):

Ambry Genetics
Classification: Uncertain significance for Hereditary cancer-predisposing syndrome. Last evaluated: 2026-07-17. Review status: criteria provided, single submitter. Criteria: Ambry Variant Classification Scheme 2023. Collection method: clinical testing. Allele origin: germline.
Comment: The p.P603L variant (also known as c.1808C>T), located in coding exon 10 of the DICER1 gene, results from a C to T substitution at nucleotide position 1808. The proline at codon 603 is replaced by leucine, an amino acid with similar properties. This amino acid position is conserved. In addition, this alteration is predicted to be tolerated by in silico analysis. Based on the available evidence, the clinical significance of this variant remains unclear.

Labcorp Genetics (formerly Invitae), Labcorp
Classification: Uncertain significance for DICER1-related tumor predisposition. Last evaluated: 2025-01-05. Review status: criteria provided, single submitter. Criteria: Invitae Variant Classification Sherloc (09022015). Collection method: clinical testing. Allele origin: germline.
Comment: This sequence change replaces proline, which is neutral and non-polar, with leucine, which is neutral and non-polar, at codon 603 of the DICER1 protein (p.Pro603Leu). This variant is not present in population databases (gnomAD no frequency). This variant has not been reported in the literature in individuals affected with DICER1-related conditions. Invitae Evidence Modeling of protein sequence and biophysical properties (such as structural, functional, and spatial information, amino acid conservation, physicochemical variation, residue mobility, and thermodynamic stability) indicates that this missense variant is not expected to disrupt DICER1 protein function with a negative predictive value of 95%. In summary, the available evidence is currently insufficient to determine the role of this variant in disease. Therefore, it has been classified as a Variant of Uncertain Significance.